The following is an entry in ClinVar:

NM_005912.3(MC4R):c.110A>G (p.Asp37Gly)

Gene: MC4R (melanocortin 4 receptor; minus strand). Cytogenetic location: 18q21.32.
Variant type: single nucleotide variant.
Coding change: c.110A>G on transcript NM_005912.3 (MANE Select); coding-DNA position 110, A replaced by G.
Protein change: p.Asp37Gly; replaces aspartic acid 37 with glycine.
Molecular consequence: missense variant.
Genome position (GRCh38, 1-based): chr18:60,372,240, T>C on the plus strand (A>G on the coding strand, the complement: MC4R is on the minus strand). VCF-style: chr18-60372240-T-C. GRCh37 (hg19) VCF-style: chr18-58039473-T-C.
Other names: short protein forms D37G.
Identifiers: ClinVar variation 4988117 (VCV004988117.1).

ClinVar aggregate classification (germline): Uncertain significance (1 of 4 stars; one submission).

Conditions:
MC4R-related disorder. Also called: MC4R-related condition.

Submission:

PreventionGenetics, part of Exact Sciences
Classification: Uncertain significance for MC4R-related condition. Last evaluated: 2025-09-24. Review status: criteria provided, single submitter. Criteria: ACMG Guidelines, 2015. Collection method: clinical testing. Allele origin: germline.
Comment: The MC4R c.110A>G variant is predicted to result in the amino acid substitution p.Asp37Gly. To our knowledge, this variant has not been reported in the literature or in a large population database (gnomAD), indicating this variant is rare. Of note, a different variant impacting the same amino acid residue (p.Asp37Val) has been documented a part of a well-established pathogenic founder haplotype c.[105C>A;110A>T] in individuals with MC4R-related disease (Hinney et al. 2003. PubMed ID: 12970296; Kleinendorst et al. 2018. PubMed ID: 29970488). At this time, the clinical significance of the c.110A>G (p.Asp37Gly) variant is uncertain due to the absence of conclusive functional and genetic evidence.